The following is an entry in ClinVar:

ClinVar aggregate classification (germline): Likely pathogenic (1 of 4 stars; one submission).

Conditions:
Acute infantile liver failure due to synthesis defect of mtDNA-encoded proteins. Also called: Liver failure acute infantile; LIVER FAILURE, INFANTILE, TRANSIENT; TRMU Deficiency. Identifiers: Orphanet 217371, MedGen C3278664, MONDO:0013111, OMIM 613070.

Submission:

Women's Health and Genetics/Laboratory Corporation of America, LabCorp
Classification: Likely pathogenic for Acute infantile liver failure due to synthesis defect of mtDNA-encoded proteins. Last evaluated: 2025-04-24. Review status: criteria provided, single submitter. Criteria: LabCorp Variant Classification Summary - May 2015. Collection method: clinical testing. Allele origin: germline.
Comment: Variant summary: LARS1 c.1351A>T (p.Ile451Phe) results in a non-conservative amino acid change in the encoded protein sequence. Five of five in-silico tools predict a damaging effect of the variant on protein function. The variant allele was found at a frequency of 4e-06 in 251326 control chromosomes (gnomAD). c.1351A>T has been observed in individuals affected with clinical feature of Liver Failure Acute Infantile, Type 1, and this variant co-segregated with the disease (Hirata_2021, Inoue_2024). These data indicate that the variant may be associated with disease. At least one publication reports experimental evidence evaluating an impact on protein function and this variant affected the LARS1 protein function (Inoue_2024). The following publications have been ascertained in the context of this evaluation (PMID: 33300650, 38807157, 35131284). No submitters have cited clinical-significance assessments for this variant to ClinVar. Based on the evidence outlined above, the variant was classified as likely pathogenic.

Literature cited by the submitters: PubMed 35131284; PubMed 33300650; PubMed 38807157.

NM_020117.11(LARS1):c.1351A>T (p.Ile451Phe)

Gene: LARS1 (leucyl-tRNA synthetase 1; minus strand). Cytogenetic location: 5q32.
Variant type: single nucleotide variant.
Coding change: c.1351A>T on transcript NM_020117.11 (MANE Select); coding-DNA position 1351, A replaced by T.
Protein change: p.Ile451Phe; replaces isoleucine 451 with phenylalanine.
Molecular consequence: missense variant.
Genome position (GRCh38, 1-based): chr5:146,151,936, T>A on the plus strand (A>T on the coding strand, the complement: LARS1 is on the minus strand). VCF-style: chr5-146151936-T-A. GRCh37 (hg19) VCF-style: chr5-145531499-T-A.
Other names: c.1213A>T, p.Ile405Phe (NM_001317964.2); c.1189A>T, p.Ile397Phe (NM_001317965.2); c.1270A>T, p.Ile424Phe (NM_016460.4); short protein forms I397F, I405F, I424F, I451F.
Identifiers: ClinVar variation 3896649 (VCV003896649.2).
Genomic context (GRCh38, chr5:146,151,936, plus strand): 5'-CTTTTAGATATATCTTCTCCTTTGCTTCTGCAAGTTTTTCCCGGTCATTCTGGCTCTGAA[T>A]TTTCAACTCATCACAAATGGTTACAGCAGAAAGATTTCCAAAACCTGGGATTTCAATGAC-3'
Protein context (NP_064502.9, residues 441-461): SAVTICDELK[Ile451Phe]QSQNDREKLA